The following is an entry in ClinVar:

ClinVar aggregate classification (germline): Uncertain significance (1 of 4 stars; one submission).

Conditions:
Familial cancer of breast. Also called: Hereditary breast cancer; hereditary breast carcinoma; BREAST CANCER, FAMILIAL. Identifiers: Orphanet 227535, MedGen C0346153, MONDO:0016419, OMIM 114480. Disease mechanism: loss of function.

gnomAD v4.1: 1 of 1,613,206 alleles (0.000062%); highest among the groups gnomAD compares: Non-Finnish European, 0.000085%; no homozygotes.

Submission:

Labcorp Genetics (formerly Invitae), Labcorp
Classification: Uncertain significance for Familial cancer of breast. Last evaluated: 2022-02-22. Review status: criteria provided, single submitter. Criteria: Invitae Variant Classification Sherloc (09022015). Collection method: clinical testing. Allele origin: germline.
Comment: In summary, the available evidence is currently insufficient to determine the role of this variant in disease. Therefore, it has been classified as a Variant of Uncertain Significance. Algorithms developed to predict the effect of missense changes on protein structure and function (SIFT, PolyPhen-2, Align-GVGD) all suggest that this variant is likely to be tolerated. This variant has not been reported in the literature in individuals affected with PALB2-related conditions. This variant is not present in population databases (gnomAD no frequency). This sequence change replaces proline, which is neutral and non-polar, with alanine, which is neutral and non-polar, at codon 117 of the PALB2 protein (p.Pro117Ala).

NM_024675.4(PALB2):c.349C>G (p.Pro117Ala)

Gene: PALB2 (partner and localizer of BRCA2; minus strand). Cytogenetic location: 16p12.2.
Variant type: single nucleotide variant.
Coding change: c.349C>G on transcript NM_024675.4 (MANE Select); coding-DNA position 349, C replaced by G.
Protein change: p.Pro117Ala; replaces proline 117 with alanine.
Molecular consequence: missense variant.
Genome position (GRCh38, 1-based): chr16:23,636,197, G>C on the plus strand (C>G on the coding strand, the complement: PALB2 is on the minus strand). VCF-style: chr16-23636197-G-C. GRCh37 (hg19) VCF-style: chr16-23647518-G-C.
Other names: c.289C>G, p.Pro97Ala (NM_001407296.1); c.349C>G, p.Pro117Ala (NM_001407297.1, NM_001407298.1, NM_001407299.1 and 3 more transcripts); c.-537C>G (NM_001407304.1, NM_001407305.1, NM_001407306.1 and 5 more transcripts); short protein forms P117A, P97A.
Identifiers: ClinVar variation 2101685 (VCV002101685.4), dbSNP rs1413238389, ClinGen allele CA395137690.